The following is an entry in ClinVar:

ClinVar aggregate classification (germline): Uncertain significance (1 of 4 stars; one submission).

Conditions:
Hypertrophic cardiomyopathy 14. Identifiers: MedGen C2750467, MONDO:0013197, OMIM 613251.

Allele frequency attached by ClinVar (database versions not stated): TOPMed 0.00001.

Submission:

Labcorp Genetics (formerly Invitae), Labcorp
Classification: Uncertain significance for Hypertrophic cardiomyopathy 14. Last evaluated: 2018-05-01. Review status: criteria provided, single submitter. Criteria: Invitae Variant Classification Sherloc (09022015). Collection method: clinical testing. Allele origin: germline.
Comment: Algorithms developed to predict the effect of missense changes on protein structure and function (SIFT, PolyPhen-2, Align-GVGD) all suggest that this variant is likely to be tolerated, but these predictions have not been confirmed by published functional studies and their clinical significance is uncertain. This variant has not been reported in the literature in individuals with MYH6-related disease. This variant is not present in population databases (ExAC no frequency). This sequence change replaces aspartic acid with glutamic acid at codon 1604 of the MYH6 protein (p.Asp1604Glu). The aspartic acid residue is moderately conserved and there is a small physicochemical difference between aspartic acid and glutamic acid. In summary, the available evidence is currently insufficient to determine the role of this variant in disease. Therefore, it has been classified as a Variant of Uncertain Significance.

NM_002471.4(MYH6):c.4812T>G (p.Asp1604Glu)

Genes: MYH6 (myosin heavy chain 6; minus strand), LOC126861896 (BRD4-independent group 4 enhancer GRCh37_chr14:23854904-23856103; plus strand). Cytogenetic location: 14q11.2.
Variant type: single nucleotide variant.
Coding change: c.4812T>G on transcript NM_002471.4 (MANE Select); coding-DNA position 4812, T replaced by G.
Protein change: p.Asp1604Glu; replaces aspartic acid 1604 with glutamic acid.
Molecular consequence: missense variant.
Genome position (GRCh38, 1-based): chr14:23,386,462, A>C on the plus strand (T>G on the coding strand, the complement: MYH6 is on the minus strand). VCF-style: chr14-23386462-A-C. GRCh37 (hg19) VCF-style: chr14-23855671-A-C.
Other names: short protein forms D1604E.
Identifiers: ClinVar variation 569613 (VCV000569613.9), dbSNP rs201667127, ClinGen allele CA388991802.